The following is an entry in ClinVar:

ClinVar aggregate classification (germline): Uncertain significance (1 of 4 stars; one submission).

Conditions:
Hereditary cancer-predisposing syndrome. Also called: Hereditary Cancer Syndrome; Hereditary neoplastic syndrome; Neoplastic Syndromes, Hereditary; Tumor predisposition. Identifiers: Orphanet 140162, MedGen C0027672, MeSH D009386, MONDO:0015356.

Submission:

Ambry Genetics
Classification: Uncertain significance for Hereditary cancer-predisposing syndrome. Last evaluated: 2026-09-11. Review status: criteria provided, single submitter. Criteria: Ambry Variant Classification Scheme 2023. Collection method: clinical testing. Allele origin: germline.
Comment: The p.F800V variant (also known as c.2398T>G), located in coding exon 15 of the PTCH1 gene, results from a T to G substitution at nucleotide position 2398. The phenylalanine at codon 800 is replaced by valine, an amino acid with highly similar properties. This amino acid position is conserved. In addition, this alteration is predicted to be deleterious by in silico analysis. Based on the available evidence, the clinical significance of this variant remains unclear.

NM_000264.5(PTCH1):c.2398T>G (p.Phe800Val)

Genes: PTCH1 (patched 1; minus strand), LOC100507346 (uncharacterized LOC100507346; plus strand). Cytogenetic location: 9q22.32.
Variant type: single nucleotide variant.
Coding change: c.2398T>G on transcript NM_000264.5 (MANE Select); coding-DNA position 2398, T replaced by G.
Protein change: p.Phe800Val; replaces phenylalanine 800 with valine.
Molecular consequence: missense variant.
Genome position (GRCh38, 1-based): chr9:95,467,278, A>C on the plus strand (T>G on the coding strand, the complement: PTCH1 is on the minus strand). VCF-style: chr9-95467278-A-C. GRCh37 (hg19) VCF-style: chr9-98229560-A-C.
Other names: c.2200T>G, p.Phe734Val (NM_001083602.3); c.2395T>G, p.Phe799Val (NM_001083603.3); c.1945T>G, p.Phe649Val (NM_001083604.3, NM_001083605.3, NM_001083606.3 and 1 more transcripts); c.2242T>G, p.Phe748Val (NM_001354918.2); short protein forms F649V, F734V, F800V, F799V, F748V.
Identifiers: ClinVar variation 3784688 (VCV003784688.2).
Genomic context (GRCh38, chr9:95,467,278, plus strand): 5'-AAAGTAAGTGCTGGATATTCGGGTAGTCTGCTTTCTGGGTGACTATATACATGTTGTAGA[A>C]AGAAAAGTATTTGAATTGTGCAGCAATAAAGTCATATTCTCTGGTTTCCCGAGGTACAAT-3'
Protein context (NP_000255.2, residues 790-810): FIAAQFKYFS[Phe800Val]YNMYIVTQKA